The following is an entry in ClinVar:

ClinVar aggregate classification (germline): Uncertain significance (1 of 4 stars; one submission).

Allele frequency attached by ClinVar (database versions not stated): ExAC 0.00001; gnomAD exomes 0.00001; 1000 Genomes Project 30x 0.00016; 1000 Genomes Project 0.00020.
gnomAD v4.1: 4 of 1,612,762 alleles (0.00025%); highest among the groups gnomAD compares: South Asian, 0.0011%; no homozygotes.

Submission:

Labcorp Genetics (formerly Invitae), Labcorp
Classification: Uncertain significance. Last evaluated: 2024-10-14. Review status: criteria provided, single submitter. Criteria: Invitae Variant Classification Sherloc (09022015). Collection method: clinical testing. Allele origin: germline.
Comment: This sequence change falls in intron 7 of the COQ8A gene. It does not directly change the encoded amino acid sequence of the COQ8A protein. It affects a nucleotide within the consensus splice site. This variant is present in population databases (rs201362709, gnomAD 0.0009%). This variant has not been reported in the literature in individuals affected with COQ8A-related conditions. ClinVar contains an entry for this variant (Variation ID: 1904829). Variants that disrupt the consensus splice site are a relatively common cause of aberrant splicing (PMID: 17576681, 9536098). Algorithms developed to predict the effect of sequence changes on RNA splicing suggest that this variant is not likely to affect RNA splicing. In summary, the available evidence is currently insufficient to determine the role of this variant in disease. Therefore, it has been classified as a Variant of Uncertain Significance.

Literature cited by the submitters: PubMed 17576681; PubMed 9536098.

NM_020247.5(COQ8A):c.940-3C>T

Gene: COQ8A (coenzyme Q8A; plus strand). Cytogenetic location: 1q42.13.
Variant type: single nucleotide variant.
Coding change: c.940-3C>T on transcript NM_020247.5 (MANE Select); 3 bases into the intron before coding-DNA position 940, C replaced by T.
Molecular consequence: intron variant.
Genome position (GRCh38, 1-based): chr1:226,982,891, C>T. VCF-style: chr1-226982891-C-T. GRCh37 (hg19) VCF-style: chr1-227170592-C-T.
Identifiers: ClinVar variation 1904829 (VCV001904829.5), dbSNP rs201362709, ClinGen allele CA1425239.